The following is an entry in ClinVar:

ClinVar aggregate classification (germline): Likely benign (1 of 4 stars; one submission).

Allele frequency attached by ClinVar (database versions not stated): gnomAD exomes below 0.00001; gnomAD 0.00001; ESP Exome Variant Server 0.00008.
gnomAD v4.1: 2 of 1,613,480 alleles (0.00012%); highest among the groups gnomAD compares: Non-Finnish European, 0.00017%; no homozygotes.

Submission:

CeGaT Center for Human Genetics Tuebingen
Classification: Likely benign. Last evaluated: 2022-10-01. Review status: criteria provided, single submitter. Criteria: CeGaT Center For Human Genetics Tuebingen Variant Classification Criteria Version 2. Collection method: clinical testing. Allele origin: germline. Affected: yes. Observed: 1 variant allele.
Comment: ZNF518A: BP4, BP7

NM_001330736.2(ZNF518A):c.3501C>G (p.Ser1167=)

Gene: ZNF518A (zinc finger protein 518A; plus strand). Cytogenetic location: 10q24.1.
Variant type: single nucleotide variant.
Coding change: c.3501C>G on transcript NM_001330736.2 (MANE Select); coding-DNA position 3501, C replaced by G.
Protein change: p.Ser1167=; no amino-acid change (serine 1167 retained).
Molecular consequence: synonymous variant.
Genome position (GRCh38, 1-based): chr10:96,159,823, C>G. VCF-style: chr10-96159823-C-G. GRCh37 (hg19) VCF-style: chr10-97919580-C-G.
Other names: c.3501C>G, p.Ser1167= (NM_001278524.2, NM_001278525.2, NM_001330732.2 and 6 more transcripts); c.1911C>G, p.Ser637= (NM_001278526.2).
Identifiers: ClinVar variation 2640728 (VCV002640728.24), dbSNP rs377142742, ClinGen allele CA212522553.